The following is an entry in ClinVar:

ClinVar aggregate classification (germline): Pathogenic (1 of 4 stars; one submission).

Conditions:
Familial thoracic aortic aneurysm and aortic dissection (TAAD). Also called: Thoracic aortic aneurysms and dissections. Identifiers: Orphanet 91387, MedGen C4707243, MONDO:0019625.
Marfan syndrome (MFS). Also called: FBN1-Related Marfan Syndrome; Marfan syndrome type 1; Marfan's syndrome; Marfan syndrome, classic; MARFAN SYNDROME, TYPE I. Identifiers: Orphanet 284963, Orphanet 558, MedGen C0024796, MONDO:0007947, OMIM 154700.

Submission:

Labcorp Genetics (formerly Invitae), Labcorp
Classification: Pathogenic for Marfan syndrome; Familial thoracic aortic aneurysm and aortic dissection. Last evaluated: 2022-11-01. Review status: criteria provided, single submitter. Criteria: Invitae Variant Classification Sherloc (09022015). Collection method: clinical testing. Allele origin: germline.
Comment: For these reasons, this variant has been classified as Pathogenic. Variants that disrupt the consensus splice site are a relatively common cause of aberrant splicing (PMID: 17576681, 9536098). Algorithms developed to predict the effect of sequence changes on RNA splicing suggest that this variant may create or strengthen a splice site. ClinVar contains an entry for this variant (Variation ID: 577457). This variant has been observed in individual(s) with Marfan syndrome (Invitae). In at least one individual the variant was observed to be de novo. This variant is not present in population databases (gnomAD no frequency). This sequence change falls in intron 47 of the FBN1 gene. It does not directly change the encoded amino acid sequence of the FBN1 protein. It affects a nucleotide within the consensus splice site.

Literature cited by the submitters: PubMed 17576681; PubMed 9536098.

NM_000138.5(FBN1):c.5788+6T>G

Gene: FBN1 (fibrillin 1; minus strand). Cytogenetic location: 15q21.1.
Variant type: single nucleotide variant.
Coding change: c.5788+6T>G on transcript NM_000138.5 (MANE Select); 6 bases into the intron after coding-DNA position 5788, T replaced by G.
Molecular consequence: intron variant.
Genome position (GRCh38, 1-based): chr15:48,446,700, A>C on the plus strand (T>G on the coding strand, the complement: FBN1 is on the minus strand). VCF-style: chr15-48446700-A-C. GRCh37 (hg19) VCF-style: chr15-48738897-A-C.
Identifiers: ClinVar variation 577457 (VCV000577457.8), dbSNP rs1566898741, ClinGen allele CA891844488.